The following is an entry in ClinVar:

ClinVar aggregate classification (germline): Uncertain significance. Review status: criteria provided, multiple submitters, no conflicts (2 of 4 stars). 3 submissions from 3 submitters: Uncertain significance (3). Last evaluated 2025-08-02.

Conditions:
Congenital myasthenic syndrome 5. Identifiers: Orphanet 590, MedGen C1864233, MONDO:0011281, OMIM 603034.
Inborn genetic diseases. Identifiers: MedGen C0950123, MeSH D030342.

Allele frequency attached by ClinVar (database versions not stated): gnomAD 0.00001 and 0.00004; gnomAD exomes 0.00003 and 0.00006; TOPMed 0.00004; ExAC 0.00005; 1000 Genomes Project 30x 0.00031; 1000 Genomes Project 0.00040.

Submissions (3):

Ambry Genetics
Classification: Uncertain significance for Inborn genetic diseases. Last evaluated: 2025-08-02. Review status: criteria provided, single submitter. Criteria: Ambry Variant Classification Scheme 2023. Collection method: clinical testing. Allele origin: germline.

Labcorp Genetics (formerly Invitae), Labcorp
Classification: Uncertain significance for Congenital myasthenic syndrome 5. Last evaluated: 2024-12-02. Review status: criteria provided, single submitter. Criteria: Invitae Variant Classification Sherloc (09022015). Collection method: clinical testing. Allele origin: germline.
Comment: This sequence change replaces serine, which is neutral and polar, with leucine, which is neutral and non-polar, at codon 97 of the COLQ protein (p.Ser97Leu). This variant is present in population databases (rs531584926, gnomAD 0.01%). This variant has not been reported in the literature in individuals affected with COLQ-related conditions. ClinVar contains an entry for this variant (Variation ID: 661804). Invitae Evidence Modeling of protein sequence and biophysical properties (such as structural, functional, and spatial information, amino acid conservation, physicochemical variation, residue mobility, and thermodynamic stability) indicates that this missense variant is not expected to disrupt COLQ protein function with a negative predictive value of 80%. In summary, the available evidence is currently insufficient to determine the role of this variant in disease. Therefore, it has been classified as a Variant of Uncertain Significance.

Illumina Laboratory Services, Illumina
Classification: Uncertain significance for Congenital myasthenic syndrome 5. Last evaluated: 2018-01-13. Review status: criteria provided, single submitter. Criteria: ICSL Variant Classification Criteria 13 December 2019. Collection method: clinical testing. Allele origin: germline.

NM_005677.4(COLQ):c.290C>T (p.Ser97Leu)

Gene: COLQ (collagen like tail subunit of asymmetric acetylcholinesterase; minus strand). Cytogenetic location: 3p25.1.
Variant type: single nucleotide variant.
Coding change: c.290C>T on transcript NM_005677.4 (MANE Select); coding-DNA position 290, C replaced by T.
Protein change: p.Ser97Leu; replaces serine 97 with leucine.
Molecular consequence: missense variant. On other transcripts: intron variant (1).
Genome position (GRCh38, 1-based): chr3:15,488,237, G>A on the plus strand (C>T on the coding strand, the complement: COLQ is on the minus strand). VCF-style: chr3-15488237-G-A. GRCh37 (hg19) VCF-style: chr3-15529744-G-A.
Other names: c.260C>T, p.Ser87Leu (NM_080538.2); c.219+1288C>T (NM_080539.4); short protein forms S97L, S87L.
Identifiers: ClinVar variation 661804 (VCV000661804.10), dbSNP rs531584926, ClinGen allele CA2276261.
Genomic context (GRCh38, chr3:15,488,237, plus strand): 5'-GCGAGAGGGGTCCGGTAGAGTGCACCAACCTGGGGGCCGGGAGGCCCAGGGGAGCCTAGC[G>A]AGCCTTGCATGCACGGGGACTGCGAGGTCTCCAGTTCCAGCATGAGATTCTTCATGTCTG-3'
Protein context (NP_005668.2, residues 87-107): ETSQSPCMQG[Ser97Leu]LGSPGPPGPQ